The following is an entry in ClinVar:

ClinVar aggregate classification (germline): Pathogenic/Likely pathogenic. Review status: criteria provided, multiple submitters, no conflicts (2 of 4 stars). 2 submissions from 2 submitters: Pathogenic (1); Likely pathogenic (1). Last evaluated 2023-02-20.

Conditions:
Marfan syndrome (MFS). Also called: MARFAN SYNDROME, TYPE I; Marfan syndrome type 1; Marfan's syndrome; Marfan syndrome, classic; FBN1-Related Marfan Syndrome. Identifiers: Orphanet 284963, Orphanet 558, MedGen C0024796, MONDO:0007947, OMIM 154700.
Familial thoracic aortic aneurysm and aortic dissection (TAAD). Also called: Thoracic aortic aneurysms and dissections. Identifiers: Orphanet 91387, MedGen C4707243, MONDO:0019625.

Submissions (2):

Labcorp Genetics (formerly Invitae), Labcorp
Classification: Pathogenic for Marfan syndrome; Familial thoracic aortic aneurysm and aortic dissection. Last evaluated: 2023-02-20. Review status: criteria provided, single submitter. Criteria: Invitae Variant Classification Sherloc (09022015). Collection method: clinical testing. Allele origin: germline.
Comment: For these reasons, this variant has been classified as Pathogenic. This variant disrupts the p.Glu726 amino acid residue in FBN1. Other variant(s) that disrupt this residue have been determined to be pathogenic (Invitae). This suggests that this residue is clinically significant, and that variants that disrupt this residue are likely to be disease-causing. Advanced modeling of protein sequence and biophysical properties (such as structural, functional, and spatial information, amino acid conservation, physicochemical variation, residue mobility, and thermodynamic stability) performed at Invitae indicates that this missense variant is expected to disrupt FBN1 protein function. This missense change has been observed in individual(s) with Marfan syndrome (PMID: 19293843). In at least one individual the variant was observed to be de novo. This variant is not present in population databases (gnomAD no frequency). This sequence change replaces glutamic acid, which is acidic and polar, with glycine, which is neutral and non-polar, at codon 726 of the FBN1 protein (p.Glu726Gly).

Clinical Genetics Laboratory, Skane University Hospital Lund
Classification: Likely pathogenic. Last evaluated: 2022-05-27. Review status: criteria provided, single submitter. Criteria: ACMG Guidelines, 2015. Collection method: clinical testing. Allele origin: germline. Affected: yes.

Literature cited by the submitters: PubMed 19293843 (cited by Labcorp Genetics (formerly Invitae), Labcorp).

NM_000138.5(FBN1):c.2177A>G (p.Glu726Gly)

Gene: FBN1 (fibrillin 1; minus strand). Cytogenetic location: 15q21.1.
Variant type: single nucleotide variant.
Coding change: c.2177A>G on transcript NM_000138.5 (MANE Select); coding-DNA position 2177, A replaced by G.
Protein change: p.Glu726Gly; replaces glutamic acid 726 with glycine.
Molecular consequence: missense variant.
Genome position (GRCh38, 1-based): chr15:48,497,382, T>C on the plus strand (A>G on the coding strand, the complement: FBN1 is on the minus strand). VCF-style: chr15-48497382-T-C. GRCh37 (hg19) VCF-style: chr15-48789579-T-C.
Other names: c.2177A>G, p.Glu726Gly (NM_001406716.1); short protein forms E726G.
Identifiers: ClinVar variation 2925570 (VCV002925570.4), dbSNP rs2505576546, ClinGen allele CA392335897.